The following is an entry in ClinVar:

ClinVar aggregate classification (germline): Likely benign. Review status: criteria provided, multiple submitters, no conflicts (2 of 4 stars). 3 submissions from 3 submitters: Likely benign (3). Last evaluated 2024-04-22.

Conditions:
Hereditary cancer-predisposing syndrome. Also called: Neoplastic Syndromes, Hereditary; Hereditary neoplastic syndrome; Hereditary Cancer Syndrome; Tumor predisposition. Identifiers: Orphanet 140162, MedGen C0027672, MeSH D009386, MONDO:0015356.
POLD1-related polyposis and colorectal cancer syndrome (CRCS10). Also called: Colorectal cancer, susceptibility to, 10; Colorectal cancer 10; COLORECTAL CANCER, SUSCEPTIBILITY TO, ON CHROMOSOME 19q. Identifiers: Orphanet 220460, MedGen C2675481, MONDO:0012953, OMIM 612591.

Allele frequency attached by ClinVar (database versions not stated): gnomAD exomes below 0.00001.
gnomAD v4.1: 2 of 1,551,622 alleles (0.00013%); highest among the groups gnomAD compares: Non-Finnish European, 0.00017%; no homozygotes.

Submissions (3):

Labcorp Genetics (formerly Invitae), Labcorp
Classification: Likely benign for POLD1-related polyposis and colorectal cancer syndrome. Last evaluated: 2024-04-22. Review status: criteria provided, single submitter. Criteria: Invitae Variant Classification Sherloc (09022015). Collection method: clinical testing. Allele origin: germline.

GeneDx
Classification: Likely benign. Last evaluated: 2017-06-13. Review status: criteria provided, single submitter. Criteria: GeneDx Variant Classification (06012015). Collection method: clinical testing. Allele origin: germline. Affected: yes.
Comment: This variant is considered likely benign or benign based on one or more of the following criteria: it is a conservative change, it occurs at a poorly conserved position in the protein, it is predicted to be benign by multiple in silico algorithms, and/or has population frequency not consistent with disease.

Ambry Genetics
Classification: Likely benign for Hereditary cancer-predisposing syndrome. Last evaluated: 2016-04-26. Review status: criteria provided, single submitter. Criteria: Ambry Variant Classification Scheme 2023. Collection method: clinical testing. Allele origin: germline.

NM_002691.4(POLD1):c.2904C>T (p.Arg968=)

Gene: POLD1 (DNA polymerase delta 1, catalytic subunit; plus strand). Cytogenetic location: 19q13.33.
Variant type: single nucleotide variant.
Coding change: c.2904C>T on transcript NM_002691.4 (MANE Select); coding-DNA position 2904, C replaced by T.
Protein change: p.Arg968=; no amino-acid change (arginine 968 retained).
Molecular consequence: synonymous variant. On other transcripts: non-coding transcript variant (1).
Genome position (GRCh38, 1-based): chr19:50,416,479, C>T. VCF-style: chr19-50416479-C-T. GRCh37 (hg19) VCF-style: chr19-50919736-C-T.
Other names: c.2904C>T, p.Arg968= (NM_001256849.1); c.2982C>T, p.Arg994= (NM_001308632.1).
Identifiers: ClinVar variation 390486 (VCV000390486.14), dbSNP rs1057523791, ClinGen allele CA16608375.